The following is an entry in ClinVar:

ClinVar aggregate classification (germline): Benign. Review status: criteria provided, multiple submitters, no conflicts (2 of 4 stars). 3 submissions from 3 submitters: Benign (2). 1 of the submissions does not count toward it. Last evaluated 2026-02-03.

Conditions:
PLXNA2-related disorder. Also called: PLXNA2-related condition.

Allele frequency attached by ClinVar (database versions not stated): TOPMed 0.11066; gnomAD exomes 0.13490 and 0.15611; 1000 Genomes Project 30x 0.08354; gnomAD 0.11566 and 0.11542; 1000 Genomes Project 0.08247; ESP Exome Variant Server 0.12540; ExAC 0.13248.
gnomAD v4.1: 244,781 of 1,614,008 alleles (15%); highest among the groups gnomAD compares: Non-Finnish European, 17%; 20,166 homozygotes.

Submissions (3):

Labcorp Genetics (formerly Invitae), Labcorp
Classification: Benign. Last evaluated: 2026-02-03. Review status: criteria provided, single submitter. Criteria: Invitae Variant Classification Sherloc (09022015). Collection method: clinical testing. Allele origin: germline.

Breakthrough Genomics
Classification: Benign. Review status: criteria provided, single submitter. Criteria: ACMG Guidelines, 2015. Collection method: not provided. Allele origin: germline. Inheritance: Unknown mechanism. Affected: yes.

PreventionGenetics, part of Exact Sciences
Classification: Benign for PLXNA2-related condition. Last evaluated: 2022-08-01. Review status: no assertion criteria provided. Collection method: clinical testing. Allele origin: germline. Not counted in ClinVar's aggregate classification.
Comment: This variant is classified as benign based on ACMG/AMP sequence variant interpretation guidelines (Richards et al. 2015 PMID: 25741868, with internal and published modifications).

NM_025179.4(PLXNA2):c.183C>T (p.Ala61=)

Gene: PLXNA2 (plexin A2; minus strand). Cytogenetic location: 1q32.2.
Variant type: single nucleotide variant.
Coding change: c.183C>T on transcript NM_025179.4 (MANE Select); coding-DNA position 183, C replaced by T.
Protein change: p.Ala61=; no amino-acid change (alanine 61 retained).
Molecular consequence: synonymous variant.
Genome position (GRCh38, 1-based): chr1:208,217,740, G>A on the plus strand (C>T on the coding strand, the complement: PLXNA2 is on the minus strand). VCF-style: chr1-208217740-G-A. GRCh37 (hg19) VCF-style: chr1-208391085-G-A.
Other names: c.183C>T (NM_025179.3).
Identifiers: ClinVar variation 1165012 (VCV001165012.12), dbSNP rs12120681, ClinGen allele CA1374116.